The following is an entry in ClinVar:

NM_014055.4(IFT81):c.134T>C (p.Ile45Thr)

Gene: IFT81 (intraflagellar transport 81; plus strand). Cytogenetic location: 12q24.11.
Variant type: single nucleotide variant.
Coding change: c.134T>C on transcript NM_014055.4 (MANE Select); coding-DNA position 134, T replaced by C.
Protein change: p.Ile45Thr; replaces isoleucine 45 with threonine.
Molecular consequence: missense variant. On other transcripts: 5 prime UTR variant (2), non-coding transcript variant (4).
Genome position (GRCh38, 1-based): chr12:110,127,514, T>C. VCF-style: chr12-110127514-T-C. GRCh37 (hg19) VCF-style: chr12-110565319-T-C.
Other names: c.134T>C, p.Ile45Thr (NM_001143779.2, NM_001347946.2, NM_031473.4); c.-633T>C (NM_001347947.2, NM_001347948.2); short protein forms I45T.
Identifiers: ClinVar variation 1338762 (VCV001338762.8), dbSNP rs1227213671, ClinGen allele CA386906716.

ClinVar aggregate classification (germline): Uncertain significance. Review status: criteria provided, multiple submitters, no conflicts (2 of 4 stars). 3 submissions from 3 submitters: Uncertain significance (2). 1 of the submissions does not count toward it. Last evaluated 2022-11-15.

Conditions:
Short-rib thoracic dysplasia 19 with or without polydactyly. Identifiers: MedGen C4693524, MONDO:0033485, OMIM 617895.

Allele frequency attached by ClinVar (database versions not stated): gnomAD exomes below 0.00001.
gnomAD v4.1: 4 of 1,597,674 alleles (0.00025%); highest among the groups gnomAD compares: East Asian, 0.0022%; no homozygotes.

Submissions (3):

Labcorp Genetics (formerly Invitae), Labcorp
Classification: Uncertain significance. Last evaluated: 2022-11-15. Review status: criteria provided, single submitter. Criteria: Invitae Variant Classification Sherloc (09022015). Collection method: clinical testing. Allele origin: germline.
Comment: In summary, the available evidence is currently insufficient to determine the role of this variant in disease. Therefore, it has been classified as a Variant of Uncertain Significance. Advanced modeling of protein sequence and biophysical properties (such as structural, functional, and spatial information, amino acid conservation, physicochemical variation, residue mobility, and thermodynamic stability) performed at Invitae indicates that this missense variant is expected to disrupt IFT81 protein function. ClinVar contains an entry for this variant (Variation ID: 1338762). This variant has not been reported in the literature in individuals affected with IFT81-related conditions. The frequency data for this variant in the population databases is considered unreliable, as metrics indicate poor data quality at this position in the gnomAD database. This sequence change replaces isoleucine, which is neutral and non-polar, with threonine, which is neutral and polar, at codon 45 of the IFT81 protein (p.Ile45Thr).

Kasturba Medical College, Manipal, Kasturba Medical College, Manipal, Manipal Academy of Higher Education, Manipal, India
Classification: Uncertain significance for Short-rib thoracic dysplasia 19 with or without polydactyly. Last evaluated: 2022-02-04. Review status: criteria provided, single submitter. Criteria: ACMG Guidelines, 2015. Collection method: clinical testing. Allele origin: germline. Affected: yes.

Institute of Medical Genetics and Genomics, Sir Ganga Ram Hospital
Classification: Likely pathogenic for Short-rib thoracic dysplasia 19 with or without polydactyly. Last evaluated: 2022-01-30. Review status: no assertion criteria provided. Collection method: clinical testing. Allele origin: germline. Inheritance: Autosomal recessive inheritance. Affected: yes. Observed: 1 compound heterozygote. Not counted in ClinVar's aggregate classification.
Comment: This novel mis-sense variant is present in compound heterozygous state with another stop gain variant c.1441C>T (p.R481X) in IFT81 gene. The allele frequency is 0.0004% in gnomAD (aggregated) database. In-silico bioinformatic software predict this variant by mutation taster as Disease causing and SIFT & PROVEAN as Damaging. Short rib thoracic dysplasia 19 with or without polydactyly is an autosomal recessive disorder and can be caused by Homozygous or Compound heterozygous variants. Based on phenotypic overall and identified variant we classify this as likely pathogenic variant.